The following is an entry in ClinVar:

NM_000053.4(ATP7B):c.1036C>T (p.Pro346Ser)

Gene: ATP7B (ATPase copper transporting beta; minus strand). Cytogenetic location: 13q14.3.
Variant type: single nucleotide variant.
Coding change: c.1036C>T on transcript NM_000053.4 (MANE Select); coding-DNA position 1036, C replaced by T.
Protein change: p.Pro346Ser; replaces proline 346 with serine.
Molecular consequence: missense variant. On other transcripts: intron variant (1).
Genome position (GRCh38, 1-based): chr13:51,974,184, G>A on the plus strand (C>T on the coding strand, the complement: ATP7B is on the minus strand). VCF-style: chr13-51974184-G-A. GRCh37 (hg19) VCF-style: chr13-52548320-G-A.
Other names: p.Pro346Ser; c.1036C>T, p.Pro346Ser (NM_001406538.1, NM_001406540.1, NM_001406541.1 and 29 more transcripts); c.940C>T, p.Pro314Ser (NM_001406543.1, NM_001406517.1, NM_001406518.1 and 3 more transcripts); c.1036C>T (NM_000053.3); c.803-100C>T (NM_001243182.2); short protein forms P314S, P346S.
Identifiers: ClinVar variation 2200370 (VCV002200370.7), dbSNP rs201200863, ClinGen allele CA6989451.

ClinVar aggregate classification (germline): Conflicting classifications of pathogenicity. Review status: criteria provided, conflicting classifications (1 of 4 stars). 6 submissions from 6 submitters: Uncertain significance (5); Likely benign (1). Last evaluated 2025-06-05.

Conditions:
Wilson disease (WND). Also called: Wilson's disease. Identifiers: Orphanet 905, MedGen C0019202, MONDO:0010200, OMIM 277900. Disease mechanism: loss of function.

Allele frequency attached by ClinVar (database versions not stated): gnomAD 0.00006; ESP Exome Variant Server 0.00008; 1000 Genomes Project 0.00020; 1000 Genomes Project 30x 0.00031.
gnomAD v4.1: 40 of 1,508,164 alleles (0.0027%); highest among the groups gnomAD compares: Admixed American, 0.0039%; no homozygotes.

Submissions (6):

Color Diagnostics, LLC DBA Color Health
Classification: Likely benign for Wilson disease. Last evaluated: 2025-06-05. Review status: criteria provided, single submitter. Criteria: ACMG Guidelines, 2015. Collection method: clinical testing. Allele origin: germline.

All of Us Research Program, National Institutes of Health
Classification: Uncertain significance for Wilson disease. Last evaluated: 2024-06-17. Review status: criteria provided, single submitter. Criteria: ACMG Guidelines, 2015. Collection method: clinical testing. Allele origin: germline. Inheritance: Autosomal recessive inheritance. Observed: 7 variant alleles, 7 heterozygotes.
Comment: This missense variant replaces proline with serine at codon 346 of the ATP7B protein. Computational prediction suggests that this variant may not impact protein structure and function (internally defined REVEL score threshold <= 0.5, PMID: 27666373). To our knowledge, functional studies have not been reported for this variant. This variant has not been reported in individuals affected with ATP7B-related disorders in the literature. This variant has not been identified in the general population by the Genome Aggregation Database (gnomAD). The available evidence is insufficient to determine the role of this variant in disease conclusively. Therefore, this variant is classified as a Variant of Uncertain Significance.

This study involves interpretation of variants in research participants for the purpose of population health screening. Participant phenotype was not available at the time of variant classification. Additional details can be found in publication PMID: 35346344, PMCID: PMC8962531

Fulgent Genetics
Classification: Uncertain significance for Wilson disease. Last evaluated: 2024-01-29. Review status: criteria provided, single submitter. Criteria: ACMG Guidelines, 2015. Collection method: clinical testing. Allele origin: germline.

GeneDx
Classification: Uncertain significance. Last evaluated: 2023-12-29. Review status: criteria provided, single submitter. Criteria: GeneDx Variant Classification Process June 2021. Collection method: clinical testing. Allele origin: germline. Affected: yes.
Comment: Not observed at significant frequency in large population cohorts (gnomAD); In silico analysis supports that this missense variant does not alter protein structure/function; Has not been previously published as pathogenic or benign to our knowledge

Mayo Clinic Laboratories, Mayo Clinic
Classification: Uncertain significance. Last evaluated: 2022-05-24. Review status: criteria provided, single submitter. Criteria: ACMG Guidelines, 2015. Collection method: clinical testing. Allele origin: germline. Observed: 3 variant alleles.
Comment: BP4, PM2

Labcorp Genetics (formerly Invitae), Labcorp
Classification: Uncertain significance for Wilson disease. Last evaluated: 2022-03-14. Review status: criteria provided, single submitter. Criteria: Invitae Variant Classification Sherloc (09022015). Collection method: clinical testing. Allele origin: germline.
Comment: This sequence change replaces proline, which is neutral and non-polar, with serine, which is neutral and polar, at codon 346 of the ATP7B protein (p.Pro346Ser). The frequency data for this variant in the population databases is considered unreliable, as metrics indicate poor data quality at this position in the gnomAD database. This variant has not been reported in the literature in individuals affected with ATP7B-related conditions. Advanced modeling of protein sequence and biophysical properties (such as structural, functional, and spatial information, amino acid conservation, physicochemical variation, residue mobility, and thermodynamic stability) performed at Invitae indicates that this missense variant is not expected to disrupt ATP7B protein function. In summary, the available evidence is currently insufficient to determine the role of this variant in disease. Therefore, it has been classified as a Variant of Uncertain Significance.